The following is an entry in ClinVar:

ClinVar aggregate classification (germline): Conflicting classifications of pathogenicity. Review status: criteria provided, conflicting classifications (1 of 4 stars). 3 submissions from 3 submitters: Uncertain significance (2); Likely benign (1). Last evaluated 2026-02-01.

Conditions:
Kabuki syndrome 1 (KABUK1). Also called: KMT2D-Related Kabuki Syndrome. Identifiers: Orphanet 2322, MedGen CN030661, MONDO:0007843, OMIM 147920.
Kabuki syndrome 2 (KABUK2). Also called: KDM6A-Related Kabuki Syndrome. Identifiers: Orphanet 2322, MedGen C3275495, MONDO:0010465, OMIM 300867.

Allele frequency attached by ClinVar (database versions not stated): TOPMed below 0.00001; ExAC 0.00001; gnomAD exomes 0.00001 and 0.00002; ESP Exome Variant Server 0.00009.
gnomAD v4.1: 8 of 1,187,600 alleles (0.00067%); highest among the groups gnomAD compares: Middle Eastern, 0.023%; no homozygotes.

Submissions (3):

CeGaT Center for Human Genetics Tuebingen
Classification: Uncertain significance. Last evaluated: 2026-02-01. Review status: criteria provided, single submitter. Criteria: CeGaT Center For Human Genetics Tuebingen Variant Classification Criteria Version 2. Collection method: clinical testing. Allele origin: germline. Affected: yes. Observed: 1 variant allele.
Comment: KDM6A: PM2, BP4

Labcorp Genetics (formerly Invitae), Labcorp
Classification: Likely benign for Kabuki syndrome 2. Last evaluated: 2025-11-17. Review status: criteria provided, single submitter. Criteria: Invitae Variant Classification Sherloc (09022015). Collection method: clinical testing. Allele origin: germline.

Center for Human Genetics, Inc
Classification: Uncertain significance for Kabuki syndrome 1. Last evaluated: 2016-11-01. Review status: criteria provided, single submitter. Criteria: ACMG Guidelines, 2015. Collection method: clinical testing. Allele origin: germline. Affected: yes.

NM_001291415.2(KDM6A):c.2899T>C (p.Leu967=)

Gene: KDM6A (lysine demethylase 6A; plus strand). Cytogenetic location: Xp11.3.
Variant type: single nucleotide variant.
Coding change: c.2899T>C on transcript NM_001291415.2 (MANE Select); coding-DNA position 2899, T replaced by C.
Protein change: p.Leu967=; no amino-acid change (leucine 967 retained).
Molecular consequence: synonymous variant. On other transcripts: non-coding transcript variant (1).
Genome position (GRCh38, 1-based): chrX:45,076,737, T>C. VCF-style: chrX-45076737-T-C. GRCh37 (hg19) VCF-style: chrX-44935982-T-C.
Other names: c.2764T>C, p.Leu922= (NM_001291416.2); c.2608T>C, p.Leu870= (NM_001291417.2); c.2506T>C, p.Leu836= (NM_001291418.2); c.1855T>C, p.Leu619= (NM_001291421.2); c.2743T>C, p.Leu915= (NM_021140.4).
Identifiers: ClinVar variation 547393 (VCV000547393.9), dbSNP rs374328447, ClinGen allele CA10392569.
Genomic context (GRCh38, chrX:45,076,737, plus strand): 5'-CCCTTTTTTTTTTTTTCCAGGAATCTAGGTAAAAATGGCTTATCTAACAGTAGCATTTTG[T>C]TGGATAAATGTCCACCTCCAAGACCACCATCTTCACCATACCCTCCCTTGCCAAAGGACA-3'
Protein context (NP_001278344.1, residues 957-977): KNGLSNSSIL[Leu967=]DKCPPPRPPS